The following is an entry in ClinVar:

ClinVar aggregate classification (germline): Likely pathogenic (1 of 4 stars; one submission).

Conditions:
Familial hypobetalipoproteinemia 1. Also called: APOB-Related Familial Hypobetalipoproteinemia; Hypobetalipoproteinemia, normotriglyceridemic; Acanthocytosis with hypobetalipoproteinemia. Identifiers: MedGen C4551990, MONDO:0014252, OMIM 615558.
Hypercholesterolemia, autosomal dominant, type B (FHCL2). Also called: Familial Hypercholesterolemia Type B; APOLIPOPROTEIN B-100, FAMILIAL DEFECTIVE; APOLIPOPROTEIN B-100, FAMILIAL LIGAND-DEFECTIVE; HYPERCHOLESTEROLEMIA, FAMILIAL, DUE TO LIGAND-DEFECTIVE APOLIPOPROTEIN B; Hyperlipoproteinemia Type IIb; Familial hypercholesterolemia 2. Identifiers: MedGen C1704417, MONDO:0007751, OMIM 144010.

Submission:

Labcorp Genetics (formerly Invitae), Labcorp
Classification: Likely pathogenic for Familial hypobetalipoproteinemia 1; Hypercholesterolemia, autosomal dominant, type B. Last evaluated: 2023-09-22. Review status: criteria provided, single submitter. Criteria: Invitae Variant Classification Sherloc (09022015). Collection method: clinical testing. Allele origin: germline.
Comment: This sequence change affects an acceptor splice site in intron 2 of the APOB gene. It is expected to disrupt RNA splicing. Variants that disrupt the donor or acceptor splice site typically lead to a loss of protein function (PMID: 16199547), and loss-of-function variants in APOB are known to be pathogenic (PMID: 20032471). This variant is not present in population databases (gnomAD no frequency). This variant has not been reported in the literature in individuals affected with APOB-related conditions. Algorithms developed to predict the effect of sequence changes on RNA splicing suggest that this variant may disrupt the consensus splice site. In summary, the currently available evidence indicates that the variant is pathogenic, but additional data are needed to prove that conclusively. Therefore, this variant has been classified as Likely Pathogenic.

Literature cited by the submitters: PubMed 16199547; PubMed 20032471.

NM_000384.3(APOB):c.122-2A>G

Genes: APOB (apolipoprotein B; minus strand), LOC106560211 (APOB 5' regulatory region; plus strand). Cytogenetic location: 2p24.1.
Variant type: single nucleotide variant.
Coding change: c.122-2A>G on transcript NM_000384.3 (MANE Select); the canonical splice acceptor site of the intron before coding-DNA position 122, A replaced by G.
Molecular consequence: splice acceptor variant.
Genome position (GRCh38, 1-based): chr2:21,042,478, T>C on the plus strand (A>G on the coding strand, the complement: APOB is on the minus strand). VCF-style: chr2-21042478-T-C. GRCh37 (hg19) VCF-style: chr2-21265350-T-C.
Identifiers: ClinVar variation 2943935 (VCV002943935.3), dbSNP rs2465459066, ClinGen allele CA345965305.